The following is an entry in ClinVar:

ClinVar aggregate classification (germline): Pathogenic (1 of 4 stars; one submission).

Conditions:
WT1-related disorder. Also called: WT1-related disorders. Identifiers: MedGen CN377814.

Submission:

PreventionGenetics, part of Exact Sciences
Classification: Pathogenic for WT1-related condition. Last evaluated: 2023-03-22. Review status: criteria provided, single submitter. Criteria: ACMG Guidelines, 2015. Collection method: clinical testing. Allele origin: germline.
Comment: The WT1 c.781_782dupTA variant is predicted to result in a frameshift and premature protein termination (p.Ser262Thrfs*25). To our knowledge, this variant has not been reported in the literature or in a large population database, indicating this variant is rare. Frameshift variants in WT1 are expected to be pathogenic. This variant is interpreted as pathogenic.

NM_024426.6(WT1):c.796_797dup (p.Ser267fs)

Gene: WT1 (WT1 transcription factor; minus strand). Cytogenetic location: 11p13.
Variant type: Duplication.
Coding change: c.796_797dup on transcript NM_024426.6 (MANE Select); coding-DNA positions 796 to 797, 2 bases duplicated (TA; older notation c.796_797dupTA).
Protein change: p.Ser267fs; shifts the reading frame from serine 267.
Molecular consequence: frameshift variant. On other transcripts: non-coding transcript variant (2).
Genome position (GRCh38, 1-based): chr11:32,428,046-32,428,047, TA duplicated on the plus strand (TA on the coding strand, the reverse complement: WT1 is on the minus strand). VCF-style (leftmost placement, unchanged base first): chr11-32428045-G-GTA. GRCh37 (hg19) VCF-style: chr11-32449591-G-GTA.
Other names: c.145_146dup, p.Ser50fs (NM_001198551.2, NM_001198552.2); c.796_797dup, p.Ser267fs (NM_001407044.1, NM_001407045.1, NM_001407046.1 and 4 more transcripts); c.673_674dup, p.Ser226fs (NM_001407047.1, NM_001407050.1); c.34_35dup, p.Ser13fs (NM_001407051.1); c.781_782dup, p.Ser262Thrfs (NM_024425.2); short protein forms S13fs, S226fs, S267fs, S50fs.
Identifiers: ClinVar variation 2633663 (VCV002633663.1), dbSNP rs2494426569, ClinGen allele CA2695201111.